The following is an entry in ClinVar:

NM_138694.4(PKHD1):c.10952C>A (p.Pro3651His)

Gene: PKHD1 (PKHD1 ciliary IPT domain containing fibrocystin/polyductin; minus strand). Cytogenetic location: 6p12.3.
Variant type: single nucleotide variant.
Coding change: c.10952C>A on transcript NM_138694.4 (MANE Select); coding-DNA position 10952, C replaced by A.
Protein change: p.Pro3651His; replaces proline 3651 with histidine.
Molecular consequence: missense variant.
Genome position (GRCh38, 1-based): chr6:51,659,174, G>T on the plus strand (C>A on the coding strand, the complement: PKHD1 is on the minus strand). VCF-style: chr6-51659174-G-T. GRCh37 (hg19) VCF-style: chr6-51523972-G-T.
Other names: p.Pro3651His; short protein forms P3651H.
Identifiers: ClinVar variation 3306991 (VCV003306991.2).

ClinVar aggregate classification (germline): Uncertain significance. Review status: criteria provided, multiple submitters, no conflicts (2 of 4 stars). 2 submissions from 2 submitters: Uncertain significance (2). Last evaluated 2024-05-13.

Conditions:
Inborn genetic diseases. Identifiers: MedGen C0950123, MeSH D030342.

gnomAD v4.1: 6 of 1,613,514 alleles (0.00037%); highest among the groups gnomAD compares: East Asian, 0.011%; no homozygotes.

Submissions (2):

Ambry Genetics
Classification: Uncertain significance for Inborn genetic diseases. Last evaluated: 2024-05-13. Review status: criteria provided, single submitter. Criteria: Ambry Variant Classification Scheme 2023. Collection method: clinical testing. Allele origin: germline.

Mayo Clinic Laboratories, Mayo Clinic
Classification: Uncertain significance. Last evaluated: 2023-10-06. Review status: criteria provided, single submitter. Criteria: ACMG Guidelines, 2015. Collection method: clinical testing. Allele origin: germline. Observed: 1 variant allele.
Comment: BP4, PM2_moderate